The following is an entry in ClinVar:

NM_022552.5(DNMT3A):c.1123-2A>G

Gene: DNMT3A (DNA methyltransferase 3 alpha; minus strand). Cytogenetic location: 2p23.3.
Variant type: single nucleotide variant.
Coding change: c.1123-2A>G on transcript NM_022552.5 (MANE Select); the canonical splice acceptor site of the intron before coding-DNA position 1123, A replaced by G.
Molecular consequence: splice acceptor variant.
Genome position (GRCh38, 1-based): chr2:25,246,778, T>C on the plus strand (A>G on the coding strand, the complement: DNMT3A is on the minus strand). VCF-style: chr2-25246778-T-C. GRCh37 (hg19) VCF-style: chr2-25469647-T-C.
Other names: c.1123-2A>G (NM_175629.2); c.556-2A>G (NM_153759.3); c.667-2A>G (NM_001320893.1); c.454-2A>G (NM_001375819.1).
Identifiers: ClinVar variation 2573941 (VCV002573941.1), dbSNP rs752605931, ClinGen allele CA1556133.

ClinVar aggregate classification (germline): Uncertain significance (1 of 4 stars; one submission).

Allele frequency attached by ClinVar (database versions not stated): gnomAD exomes below 0.00001.

Submission:

GeneDx
Classification: Uncertain significance. Last evaluated: 2023-01-17. Review status: criteria provided, single submitter. Criteria: GeneDx Variant Classification Process June 2021. Collection method: clinical testing. Allele origin: germline. Affected: yes.
Comment: Canonical splice site variant predicted to result in a null allele in a gene for which loss of function is a known mechanism of disease; Has not been previously published as pathogenic or benign to our knowledge